The following is an entry in ClinVar:

NM_001385875.1(ZFYVE27):c.*1308A>C

Gene: ZFYVE27 (zinc finger FYVE-type containing 27; plus strand). Cytogenetic location: 10q24.2.
Variant type: single nucleotide variant.
Coding change: c.*1308A>C on transcript NM_001385875.1 (MANE Select); 1308 bases downstream of the stop codon, A replaced by C.
Molecular consequence: 3 prime UTR variant. On other transcripts: non-coding transcript variant (17).
Genome position (GRCh38, 1-based): chr10:97,760,608, A>C. VCF-style: chr10-97760608-A-C. GRCh37 (hg19) VCF-style: chr10-99520365-A-C.
Other names: c.*1308A>C (NM_001002261.4, NM_001002262.4, NM_001174119.2 and 39 more transcripts).
Identifiers: ClinVar variation 301860 (VCV000301860.6), dbSNP rs1047537, ClinGen allele CA10629579.

ClinVar aggregate classification (germline): Benign. Review status: criteria provided, multiple submitters, no conflicts (2 of 4 stars). 2 submissions from 2 submitters: Benign (2). Last evaluated 2018-01-13.

Conditions:
Hereditary spastic paraplegia 33. Also called: SPASTIC PARAPLEGIA 33, AUTOSOMAL DOMINANT. Identifiers: MedGen C1853251, MONDO:0012448, OMIM 610244.

Allele frequency attached by ClinVar (database versions not stated): TOPMed 0.05546; 1000 Genomes Project 0.07348; 1000 Genomes Project 30x 0.07714.
gnomAD v4.1: 8,047 of 152,154 alleles (5.3%); highest among the groups gnomAD compares: African/African-American, 17%; 622 homozygotes.

Submissions (2):

Illumina Laboratory Services, Illumina
Classification: Benign for Hereditary spastic paraplegia 33. Last evaluated: 2018-01-13. Review status: criteria provided, single submitter. Criteria: ICSL Variant Classification Criteria 13 December 2019. Collection method: clinical testing. Allele origin: germline.
Comment: This variant was observed in the ICSL laboratory as part of a predisposition screen in an ostensibly healthy population. It had not been previously curated by ICSL or reported in the Human Gene Mutation Database (HGMD: prior to June 1st, 2018), and was therefore a candidate for classification through an automated scoring system. Utilizing variant allele frequency, disease prevalence and penetrance estimates, and inheritance mode, an automated score was calculated to assess if this variant is too frequent to cause the disease. Based on the score and internal cut-off values, a variant classified as benign is not then subjected to further curation. The score for this variant resulted in a classification of benign for this disease.

Breakthrough Genomics
Classification: Benign. Review status: criteria provided, single submitter. Criteria: ACMG Guidelines, 2015. Collection method: not provided. Allele origin: germline. Inheritance: Autosomal dominant inheritance. Affected: yes.